The following is an entry in ClinVar:

ClinVar aggregate classification (germline): Uncertain significance. Review status: criteria provided, multiple submitters, no conflicts (2 of 4 stars). 2 submissions from 2 submitters: Uncertain significance (2). Last evaluated 2025-11-19.

Conditions:
Pancreatic adenocarcinoma. Identifiers: MedGen C0281361, MONDO:0006047, HP:0006725.

Allele frequency attached by ClinVar (database versions not stated): ExAC 0.00002; gnomAD exomes 0.00001.
gnomAD v4.1: 19 of 1,614,050 alleles (0.0012%); highest among the groups gnomAD compares: Non-Finnish European, 0.0015%; no homozygotes.

Submissions (2):

Labcorp Genetics (formerly Invitae), Labcorp
Classification: Uncertain significance for Pancreatic adenocarcinoma. Last evaluated: 2025-11-19. Review status: criteria provided, single submitter. Criteria: Invitae Variant Classification Sherloc (09022015). Collection method: clinical testing. Allele origin: germline.
Comment: This sequence change replaces asparagine, which is neutral and polar, with histidine, which is basic and polar, at codon 576 of the PALLD protein (p.Asn576His). This variant is present in population databases (rs771536528, gnomAD 0.003%). This variant has not been reported in the literature in individuals affected with PALLD-related conditions. ClinVar contains an entry for this variant (Variation ID: 1510674). An algorithm developed to predict the effect of missense changes on protein structure and function outputs the following: PolyPhen-2: "Possibly Damaging". The histidine amino acid residue is found in multiple mammalian species, which suggests that this missense change does not adversely affect protein function. In summary, the available evidence is currently insufficient to determine the role of this variant in disease. Therefore, it has been classified as a Variant of Uncertain Significance.

Ambry Genetics
Classification: Uncertain significance. Last evaluated: 2022-10-24. Review status: criteria provided, single submitter. Criteria: Ambry Variant Classification Scheme 2023. Collection method: clinical testing. Allele origin: germline.
Comment: The p.N1063H variant (also known as c.3187A>C), located in coding exon 18 of the PALLD gene, results from an A to C substitution at nucleotide position 3187. The asparagine at codon 1063 is replaced by histidine, an amino acid with similar properties. This amino acid position is conserved. In addition, this alteration is predicted to be tolerated by in silico analysis. Since supporting evidence is limited at this time, the clinical significance of this alteration remains unclear.

NM_001166108.2(PALLD):c.3238A>C (p.Asn1080His)

Genes: CBR4 (carbonyl reductase 4; minus strand), PALLD (palladin, cytoskeletal associated protein; plus strand). Cytogenetic location: 4q32.3.
Variant type: single nucleotide variant.
Coding change: c.3238A>C on transcript NM_001166108.2 (MANE Select); coding-DNA position 3238, A replaced by C.
Protein change: p.Asn1080His; replaces asparagine 1080 with histidine.
Molecular consequence: missense variant.
Genome position (GRCh38, 1-based): chr4:168,924,958, A>C. VCF-style: chr4-168924958-A-C. GRCh37 (hg19) VCF-style: chr4-169846109-A-C.
Other names: c.2041A>C, p.Asn681His (NM_001166109.2); c.1726A>C, p.Asn576His (NM_001166110.2); c.1066A>C, p.Asn356His (NM_001367567.1, NM_001367569.1); c.1117A>C, p.Asn373His (NM_001367568.1, NM_001367570.1); c.3187A>C, p.Asn1063His (NM_016081.4); short protein forms N373H, N1063H, N1080H, N356H, N681H, N576H.
Identifiers: ClinVar variation 1510674 (VCV001510674.10), dbSNP rs771536528, ClinGen allele CA3136074.